The following is an entry in ClinVar:

ClinVar aggregate classification (germline): Likely benign. Review status: criteria provided, multiple submitters, no conflicts (2 of 4 stars). 4 submissions from 4 submitters: Likely benign (3). 1 of the submissions does not count toward it. Last evaluated 2025-11-06.

Conditions:
Glaucoma 1, open angle, E. Identifiers: MedGen C1842026, MONDO:0007665.
Primary open angle glaucoma (POAG). Also called: OPTN-related open angle glaucoma. Identifiers: MedGen C0339573, MONDO:0100553, OMIM 137760.
Amyotrophic lateral sclerosis type 12 (ALS12). Also called: AMYOTROPHIC LATERAL SCLEROSIS 12 WITH OR WITHOUT FRONTOTEMPORAL DEMENTIA. Identifiers: Orphanet 803, MedGen C3150692, MONDO:0013264, OMIM 613435.
OPTN-related disorder. Also called: OPTN-related condition; OPTN-related disorders.

gnomAD v4.1: 32 of 1,614,078 alleles (0.002%); highest among the groups gnomAD compares: Middle Eastern, 0.016%; no homozygotes.

Submissions (4):

Labcorp Genetics (formerly Invitae), Labcorp
Classification: Likely benign for Primary open angle glaucoma; Glaucoma 1, open angle, E; Amyotrophic lateral sclerosis type 12. Last evaluated: 2025-11-06. Review status: criteria provided, single submitter. Criteria: Invitae Variant Classification Sherloc (09022015). Collection method: clinical testing. Allele origin: germline.

Mayo Clinic Laboratories, Mayo Clinic
Classification: Likely benign. Last evaluated: 2025-08-01. Review status: criteria provided, single submitter. Criteria: ACMG Guidelines, 2015. Collection method: clinical testing. Allele origin: germline. Observed: 1 variant allele.
Comment: BP4, BP7

CeGaT Center for Human Genetics Tuebingen
Classification: Likely benign. Last evaluated: 2022-03-01. Review status: criteria provided, single submitter. Criteria: CeGaT Center For Human Genetics Tuebingen Variant Classification Criteria Version 2. Collection method: clinical testing. Allele origin: germline. Affected: yes. Observed: 1 variant allele.
Comment: OPTN: BP4, BP7

PreventionGenetics, part of Exact Sciences
Classification: Likely benign for OPTN-related condition. Last evaluated: 2022-06-23. Review status: no assertion criteria provided. Collection method: clinical testing. Allele origin: germline. Not counted in ClinVar's aggregate classification.
Comment: This variant is classified as likely benign based on ACMG/AMP sequence variant interpretation guidelines (Richards et al. 2015 PMID: 25741868, with internal and published modifications).

Literature cited by the submitters: PubMed 21613650 (cited by Mayo Clinic Laboratories, Mayo Clinic).

NM_001008212.2(OPTN):c.1107A>G (p.Leu369=)

Gene: OPTN (optineurin; plus strand). Cytogenetic location: 10p13.
Variant type: single nucleotide variant.
Coding change: c.1107A>G on transcript NM_001008212.2 (MANE Select); coding-DNA position 1107, A replaced by G.
Protein change: p.Leu369=; no amino-acid change (leucine 369 retained).
Molecular consequence: synonymous variant.
Genome position (GRCh38, 1-based): chr10:13,125,526, A>G. VCF-style: chr10-13125526-A-G. GRCh37 (hg19) VCF-style: chr10-13167526-A-G.
Other names: p.Leu369=; c.1107A>G, p.Leu369= (NM_001008211.1, NM_001008213.1, NM_021980.4).
Identifiers: ClinVar variation 1150737 (VCV001150737.35), dbSNP rs149806984, ClinGen allele CA5410855.